The following is an entry in ClinVar:

ClinVar aggregate classification (germline): Uncertain significance. Review status: criteria provided, multiple submitters, no conflicts (2 of 4 stars). 2 submissions from 2 submitters: Uncertain significance (2). Last evaluated 2024-10-18.

Conditions:
Pulmonary hypertension, primary, 4. Identifiers: Orphanet 422, MedGen C3809198, MONDO:0014136, OMIM 615344.

Allele frequency attached by ClinVar (database versions not stated): gnomAD below 0.00001 and 0.00009; gnomAD exomes 0.00003; 1000 Genomes Project 30x 0.00016; ExAC 0.00017; 1000 Genomes Project 0.00020.
gnomAD v4.1: 52 of 1,562,824 alleles (0.0033%); highest among the groups gnomAD compares: South Asian, 0.056%; no homozygotes.

Submissions (2):

Labcorp Genetics (formerly Invitae), Labcorp
Classification: Uncertain significance for Pulmonary hypertension, primary, 4. Last evaluated: 2024-10-18. Review status: criteria provided, single submitter. Criteria: Invitae Variant Classification Sherloc (09022015). Collection method: clinical testing. Allele origin: germline.
Comment: This sequence change replaces glycine, which is neutral and non-polar, with aspartic acid, which is acidic and polar, at codon 276 of the KCNK3 protein (p.Gly276Asp). This variant is present in population databases (rs556393203, gnomAD 0.02%). This variant has not been reported in the literature in individuals affected with KCNK3-related conditions. ClinVar contains an entry for this variant (Variation ID: 952122). Invitae Evidence Modeling of protein sequence and biophysical properties (such as structural, functional, and spatial information, amino acid conservation, physicochemical variation, residue mobility, and thermodynamic stability) indicates that this missense variant is not expected to disrupt KCNK3 protein function with a negative predictive value of 80%. In summary, the available evidence is currently insufficient to determine the role of this variant in disease. Therefore, it has been classified as a Variant of Uncertain Significance.

Fulgent Genetics
Classification: Uncertain significance for Pulmonary hypertension, primary, 4. Last evaluated: 2021-11-11. Review status: criteria provided, single submitter. Criteria: ACMG Guidelines, 2015. Collection method: clinical testing. Allele origin: unknown.

NM_002246.3(KCNK3):c.827G>A (p.Gly276Asp)

Gene: KCNK3 (potassium two pore domain channel subfamily K member 3; plus strand). Cytogenetic location: 2p23.3.
Variant type: single nucleotide variant.
Coding change: c.827G>A on transcript NM_002246.3 (MANE Select); coding-DNA position 827, G replaced by A.
Protein change: p.Gly276Asp; replaces glycine 276 with aspartic acid.
Molecular consequence: missense variant.
Genome position (GRCh38, 1-based): chr2:26,728,210, G>A. VCF-style: chr2-26728210-G-A. GRCh37 (hg19) VCF-style: chr2-26951078-G-A.
Other names: short protein forms G276D.
Identifiers: ClinVar variation 952122 (VCV000952122.11), dbSNP rs556393203, ClinGen allele CA1565550.